The following is an entry in ClinVar:

NM_001145358.2(SIN3A):c.2277+4A>G

Gene: SIN3A (SIN3 transcription regulator family member A; minus strand). Cytogenetic location: 15q24.2.
Variant type: single nucleotide variant.
Coding change: c.2277+4A>G on transcript NM_001145358.2 (MANE Select); 4 bases into the intron after coding-DNA position 2277, A replaced by G.
Molecular consequence: intron variant.
Genome position (GRCh38, 1-based): chr15:75,394,676, T>C on the plus strand (A>G on the coding strand, the complement: SIN3A is on the minus strand). VCF-style: chr15-75394676-T-C. GRCh37 (hg19) VCF-style: chr15-75687017-T-C.
Other names: c.2277+4A>G (NM_001145357.2, NM_015477.3).
Identifiers: ClinVar variation 449849 (VCV000449849.3), dbSNP rs1555444022, ClinGen allele CA658658302.

ClinVar aggregate classification (germline): Likely pathogenic (1 of 4 stars; one submission).

Submission:

GeneDx
Classification: Likely pathogenic. Last evaluated: 2024-11-21. Review status: criteria provided, single submitter. Criteria: GeneDx Variant Classification Process June 2021. Collection method: clinical testing. Allele origin: germline. Affected: yes.
Comment: Not observed at significant frequency in large population cohorts (gnomAD); In silico analysis supports a deleterious effect on splicing; This variant is associated with the following publications: (PMID: 33528536)